The following is an entry in ClinVar:

ClinVar aggregate classification (germline): Benign. Review status: criteria provided, single submitter (1 of 4 stars). 2 submissions from 2 submitters: Benign (1). 1 of the submissions does not count toward it. Last evaluated 2025-07-27.

Conditions:
RDX-related disorder. Also called: RDX-related condition.

Submissions (2):

Labcorp Genetics (formerly Invitae), Labcorp
Classification: Benign. Last evaluated: 2025-07-27. Review status: criteria provided, single submitter. Criteria: Invitae Variant Classification Sherloc (09022015). Collection method: clinical testing. Allele origin: germline.

PreventionGenetics, part of Exact Sciences
Classification: Likely benign for RDX-related condition. Last evaluated: 2019-03-18. Review status: no assertion criteria provided. Collection method: clinical testing. Allele origin: germline. Not counted in ClinVar's aggregate classification.
Comment: This variant is classified as likely benign based on ACMG/AMP sequence variant interpretation guidelines (Richards et al. 2015 PMID: 25741868, with internal and published modifications).

NM_002906.4(RDX):c.1588-7dup

Gene: RDX (radixin; minus strand). Cytogenetic location: 11q22.3.
Variant type: Duplication.
Coding change: c.1588-7dup on transcript NM_002906.4 (MANE Select); 7 bases into the intron before coding-DNA position 1588, one base duplicated (T; older notation c.1588-7dupT).
Molecular consequence: intron variant.
Genome position (GRCh38, 1-based): chr11:110,232,040, A duplicated on the plus strand (T on the coding strand, the reverse complement: RDX is on the minus strand); the first of 6 consecutive A bases (chr11:110,232,040-110,232,045); duplicating any one gives the same sequence. VCF-style (leftmost placement, unchanged base first): chr11-110232039-T-TA. GRCh37 (hg19) VCF-style: chr11-110102764-T-TA.
Other names: c.1588-7dup (NM_001260493.2, NM_001260492.2); c.547-7dup (NM_001260495.2); c.405-36dup (NM_001260496.2); c.1180-7dup (NM_001260494.2).
Identifiers: ClinVar variation 3058467 (VCV003058467.4), dbSNP rs1864658406, ClinGen allele CA1999720948.